The following is an entry in ClinVar:

ClinVar aggregate classification (germline): Likely pathogenic (1 of 4 stars; one submission).

Allele frequency attached by ClinVar (database versions not stated): gnomAD exomes below 0.00001.
gnomAD v4.1: 1 of 1,613,572 alleles (0.000062%); highest among the groups gnomAD compares: Non-Finnish European, 0.000085%; no homozygotes.

Submission:

Labcorp Genetics (formerly Invitae), Labcorp
Classification: Likely pathogenic. Last evaluated: 2022-11-08. Review status: criteria provided, single submitter. Criteria: Invitae Variant Classification Sherloc (09022015). Collection method: clinical testing. Allele origin: germline.
Comment: In summary, the currently available evidence indicates that the variant is pathogenic, but additional data are needed to prove that conclusively. Therefore, this variant has been classified as Likely Pathogenic. Algorithms developed to predict the effect of sequence changes on RNA splicing suggest that this variant may disrupt the consensus splice site. This variant has not been reported in the literature in individuals affected with COL18A1-related conditions. This variant is not present in population databases (gnomAD no frequency). This sequence change affects a donor splice site in intron 33 of the COL18A1 gene. It is expected to disrupt RNA splicing. Variants that disrupt the donor or acceptor splice site typically lead to a loss of protein function (PMID: 16199547), and loss-of-function variants in COL18A1 are known to be pathogenic (PMID: 12415512, 25456301).

Literature cited by the submitters: PubMed 16199547; PubMed 12415512; PubMed 25456301.

NM_001379500.1(COL18A1):c.2727+2T>C

Genes: COL18A1 (collagen type XVIII alpha 1 chain; plus strand), SLC19A1 (solute carrier family 19 member 1; minus strand). Cytogenetic location: 21q22.3.
Variant type: single nucleotide variant.
Coding change: c.2727+2T>C on transcript NM_001379500.1 (MANE Select); the canonical splice donor site of the intron after coding-DNA position 2727, T replaced by C.
Molecular consequence: splice donor variant.
Genome position (GRCh38, 1-based): chr21:45,504,056, T>C. VCF-style: chr21-45504056-T-C. GRCh37 (hg19) VCF-style: chr21-46923970-T-C.
Other names: c.3972+2T>C (NM_130444.3); c.3267+2T>C (NM_030582.4).
Identifiers: ClinVar variation 2018313 (VCV002018313.4), dbSNP rs2517775597, ClinGen allele CA410499085.